The following is an entry in ClinVar:

ClinVar aggregate classification (germline): Uncertain significance (1 of 4 stars; one submission).

Conditions:
Joubert syndrome. Also called: Familial aplasia of the vermis; CEREBELLOPARENCHYMAL DISORDER IV; JOUBERT-BOLTSHAUSER SYNDROME. Identifiers: Orphanet 475, MedGen C5979921, MONDO:0018772.
Meckel-Gruber syndrome. Also called: Dysencephalia splachnocystica; DYSENCEPHALIA SPLANCHNOCYSTICA; GRUBER SYNDROME. Identifiers: Orphanet 564, MedGen C0265215, MONDO:0018921.
Nephronophthisis. Also called: Juvenile Nephronophthisis. Identifiers: Orphanet 655, MedGen C0687120, MONDO:0019005, HP:0000090.

Submission:

Labcorp Genetics (formerly Invitae), Labcorp
Classification: Uncertain significance for Joubert syndrome; Meckel-Gruber syndrome; Nephronophthisis. Last evaluated: 2022-12-06. Review status: criteria provided, single submitter. Criteria: Invitae Variant Classification Sherloc (09022015). Collection method: clinical testing. Allele origin: germline.
Comment: In summary, the available evidence is currently insufficient to determine the role of this variant in disease. Therefore, it has been classified as a Variant of Uncertain Significance. Algorithms developed to predict the effect of sequence changes on RNA splicing suggest that this variant may disrupt the consensus splice site. ClinVar contains an entry for this variant (Variation ID: 1001491). This variant has not been reported in the literature in individuals affected with CEP290-related conditions. This variant is not present in population databases (gnomAD no frequency). This sequence change affects codon 1097 of the CEP290 mRNA. It is a 'silent' change, meaning that it does not change the encoded amino acid sequence of the CEP290 protein.

NM_025114.4(CEP290):c.3291G>A (p.Leu1097=)

Gene: CEP290 (centrosomal protein 290; minus strand). Cytogenetic location: 12q21.32.
Variant type: single nucleotide variant.
Coding change: c.3291G>A on transcript NM_025114.4 (MANE Select); coding-DNA position 3291, G replaced by A.
Protein change: p.Leu1097=; no amino-acid change (leucine 1097 retained).
Molecular consequence: synonymous variant.
Genome position (GRCh38, 1-based): chr12:88,093,788, C>T on the plus strand (G>A on the coding strand, the complement: CEP290 is on the minus strand). VCF-style: chr12-88093788-C-T. GRCh37 (hg19) VCF-style: chr12-88487565-C-T.
Identifiers: ClinVar variation 1001491 (VCV001001491.9), dbSNP rs2037221962, ClinGen allele CA481077258.
Genomic context (GRCh38, chr12:88,093,788, plus strand): 5'-TCTTTATTCTATAATTGTATGATAAAACTTATAATATCAAACCTCAGCAAATTTGGTTTC[C>T]AATTCAAAATTACGTTCCTCCATTTGCTTTAACGAAGTCCGTAAGTGTTCATACATTTTT-3'
Protein context (NP_079390.3, residues 1087-1107): LKQMEERNFE[Leu1097=]ETKFAELTKI